The following is an entry in ClinVar:

NM_001277062.2(MFF):c.689T>C (p.Ile230Thr)

Gene: MFF (mitochondrial fission factor; plus strand). Cytogenetic location: 2q36.3.
Variant type: single nucleotide variant.
Coding change: c.689T>C on transcript NM_001277062.2 (MANE Select); coding-DNA position 689, T replaced by C.
Protein change: p.Ile230Thr; replaces isoleucine 230 with threonine.
Molecular consequence: missense variant. On other transcripts: non-coding transcript variant (1).
Genome position (GRCh38, 1-based): chr2:227,355,706, T>C. VCF-style: chr2-227355706-T-C. GRCh37 (hg19) VCF-style: chr2-228220422-T-C.
Other names: c.842T>C, p.Ile281Thr (NM_001277061.2, NM_020194.5); c.545T>C, p.Ile182Thr (NM_001277063.2); c.530T>C, p.Ile177Thr (NM_001277064.2); c.470T>C, p.Ile157Thr (NM_001277065.2, NM_001277066.2); c.479T>C, p.Ile160Thr (NM_001277067.1); c.572T>C, p.Ile191Thr (NM_001277068.1); c.842T>C (NM_020194.4); short protein forms I157T, I177T, I191T, I230T, I160T, I182T, I281T.
Identifiers: ClinVar variation 1371186 (VCV001371186.8), dbSNP rs145321987, ClinGen allele CA2148052.

ClinVar aggregate classification (germline): Uncertain significance. Review status: criteria provided, multiple submitters, no conflicts (2 of 4 stars). 3 submissions from 3 submitters: Uncertain significance (3). Last evaluated 2026-02-24.

Conditions:
Inborn genetic diseases. Identifiers: MedGen C0950123, MeSH D030342.

Allele frequency attached by ClinVar (database versions not stated): TOPMed 0.00015; 1000 Genomes Project 0.00020; 1000 Genomes Project 30x 0.00031; gnomAD exomes 0.00003 and 0.00008; gnomAD 0.00019; ESP Exome Variant Server 0.00031; ExAC 0.00007.
gnomAD v4.1: 84 of 1,611,396 alleles (0.0052%); highest among the groups gnomAD compares: African/African-American, 0.087%; no homozygotes.

Submissions (3):

GeneDx
Classification: Uncertain significance. Last evaluated: 2026-02-24. Review status: criteria provided, single submitter. Criteria: GeneDx Variant Classification Process June 2021. Collection method: clinical testing. Allele origin: germline.
Comment: In silico analysis supports that this missense variant has a deleterious effect on protein structure/function; Has not been previously published as pathogenic or benign to our knowledge

Ambry Genetics
Classification: Uncertain significance for Inborn genetic diseases. Last evaluated: 2024-12-10. Review status: criteria provided, single submitter. Criteria: Ambry Variant Classification Scheme 2023. Collection method: clinical testing. Allele origin: germline.

Labcorp Genetics (formerly Invitae), Labcorp
Classification: Uncertain significance. Last evaluated: 2021-09-17. Review status: criteria provided, single submitter. Criteria: Invitae Variant Classification Sherloc (09022015). Collection method: clinical testing. Allele origin: germline.
Comment: This sequence change replaces isoleucine with threonine at codon 281 of the MFF protein (p.Ile281Thr). The isoleucine residue is moderately conserved and there is a moderate physicochemical difference between isoleucine and threonine. This variant is present in population databases (rs145321987, ExAC 0.07%). This variant has not been reported in the literature in individuals affected with MFF-related conditions. Algorithms developed to predict the effect of missense changes on protein structure and function (SIFT, PolyPhen-2, Align-GVGD) all suggest that this variant is likely to be tolerated. In summary, the available evidence is currently insufficient to determine the role of this variant in disease. Therefore, it has been classified as a Variant of Uncertain Significance.